The following is an entry in ClinVar:

NM_001849.4(COL6A2):c.1746_1763del (p.Pro583_Gly588del)

Gene: COL6A2 (collagen type VI alpha 2 chain; plus strand). Cytogenetic location: 21q22.3.
Variant type: Deletion.
Coding change: c.1746_1763del on transcript NM_001849.4 (MANE Select); coding-DNA positions 1746 to 1763, 18 bases deleted (CCCCCCTGGAGACCCCGG).
Protein change: p.Pro583_Gly588del.
Molecular consequence: inframe deletion.
Genome position (GRCh38, 1-based): chr21:46,124,896-46,124,913, CCCCCCTGGAGACCCCGG deleted; deleting any 18 consecutive bases within chr21:46,124,891-46,124,913 gives the same sequence; the c. name uses the placement nearest the transcript's 3' end. VCF-style (leftmost placement, unchanged base first): chr21-46124890-GCCCGGCCCCCCTGGAGAC-G. GRCh37 (hg19) VCF-style: chr21-47544804-GCCCGGCCCCCCTGGAGAC-G.
Other names: c.1746_1763del, p.Pro583_Gly588del (NM_058174.3, NM_058175.3).
Identifiers: ClinVar variation 2057410 (VCV002057410.4), dbSNP rs2517014742, ClinGen allele CA2580098999.

ClinVar aggregate classification (germline): Uncertain significance (1 of 4 stars; one submission).

Conditions:
Bethlem myopathy 1A. Also called: MYOPATHY, BENIGN CONGENITAL, WITH CONTRACTURES; Bethlem Muscular Dystrophy; Bethlem myopathy 1. Identifiers: Orphanet 610, MedGen CN029274, MONDO:0024530, OMIM 158810.

Submission:

Labcorp Genetics (formerly Invitae), Labcorp
Classification: Uncertain significance for Bethlem myopathy 1A. Last evaluated: 2022-10-18. Review status: criteria provided, single submitter. Criteria: Invitae Variant Classification Sherloc (09022015). Collection method: clinical testing. Allele origin: germline.
Comment: This variant, c.1746_1763del, results in the deletion of 6 amino acid(s) of the COL6A2 protein (p.Pro583_Gly588del), but otherwise preserves the integrity of the reading frame. This variant is not present in population databases (gnomAD no frequency). This variant has not been reported in the literature in individuals affected with COL6A2-related conditions. Experimental studies and prediction algorithms are not available or were not evaluated, and the functional significance of this variant is currently unknown. Algorithms developed to predict the effect of sequence changes on RNA splicing suggest that this variant may disrupt the consensus splice site. This variant disrupts the triple helix domain of COL6A2. Glycine residues within the Gly-Xaa-Yaa repeats of the triple helix domain are required for the structure and stability of fibrillar collagens (PMID: 7695699, 8218237, 19344236). In COL6A2, missense variants at these glycine residues are significantly enriched in individuals with autosomal dominant disease (PMID: 15689448, 24038877) compared to the general population (ExAC). In summary, the available evidence is currently insufficient to determine the role of this variant in disease. Therefore, it has been classified as a Variant of Uncertain Significance.

Literature cited by the submitters: PubMed 7695699; PubMed 8218237; PubMed 19344236; PubMed 15689448; PubMed 24038877.